The following is an entry in ClinVar:

ClinVar aggregate classification (germline): Conflicting classifications of pathogenicity. Review status: criteria provided, conflicting classifications (1 of 4 stars). 2 submissions from 2 submitters: Uncertain significance (1); Likely benign (1). Last evaluated 2025-11-22.

Conditions:
Loeys-Dietz syndrome 2 (LDS2). Also called: Marfan like connective tissue disorder; MFS 2; Marfan Syndrome type 2; Marfan syndrome, type 2 (formerly); TGFBR2-Related Loeys-Dietz Syndrome; AORTIC ANEURYSM, FAMILIAL THORACIC 3. Identifiers: Orphanet 284973, Orphanet 558, MedGen C2674574, MONDO:0012427, OMIM 610168.

gnomAD v4.1: 3 of 1,614,218 alleles (0.00019%); highest among the groups gnomAD compares: Admixed American, 0.0033%; no homozygotes.

Submissions (2):

Labcorp Genetics (formerly Invitae), Labcorp
Classification: Uncertain significance for Loeys-Dietz syndrome 2. Last evaluated: 2025-11-22. Review status: criteria provided, single submitter. Criteria: Invitae Variant Classification Sherloc (09022015). Collection method: clinical testing. Allele origin: germline.
Comment: This sequence change replaces phenylalanine, which is neutral and non-polar, with leucine, which is neutral and non-polar, at codon 494 of the TMPO protein (p.Phe494Leu). This variant is present in population databases (no rsID available, gnomAD 0.006%). This variant has not been reported in the literature in individuals affected with TMPO-related conditions. ClinVar contains an entry for this variant (Variation ID: 3808577). Invitae Evidence Modeling of protein sequence and biophysical properties (such as structural, functional, and spatial information, amino acid conservation, physicochemical variation, residue mobility, and thermodynamic stability) indicates that this missense variant is not expected to disrupt TMPO protein function with a negative predictive value of 80%. In summary, the available evidence is currently insufficient to determine the role of this variant in disease. Therefore, it has been classified as a Variant of Uncertain Significance.

Ambry Genetics
Classification: Likely benign. Last evaluated: 2025-02-04. Review status: criteria provided, single submitter. Criteria: Ambry Variant Classification Scheme 2023. Collection method: clinical testing. Allele origin: germline.

NM_001032283.3(TMPO):c.565+1899T>C

Gene: TMPO (thymopoietin; plus strand). Cytogenetic location: 12q23.1.
Variant type: single nucleotide variant.
Coding change: c.565+1899T>C on transcript NM_001032283.3 (MANE Select); 1899 bases into the intron after coding-DNA position 565, T replaced by C.
Molecular consequence: intron variant. On other transcripts: missense variant (1).
Genome position (GRCh38, 1-based): chr12:98,533,737, T>C. VCF-style: chr12-98533737-T-C. GRCh37 (hg19) VCF-style: chr12-98927515-T-C.
Other names: c.1480T>C, p.Phe494Leu (NM_003276.2); c.565+1899T>C (NM_001307975.2, NM_001032284.3); short protein forms F494L.
Identifiers: ClinVar variation 3808577 (VCV003808577.2).